The following is an entry in ClinVar:

ClinVar aggregate classification (germline): Benign. Review status: criteria provided, multiple submitters, no conflicts (2 of 4 stars). 3 submissions from 3 submitters: Benign (3). Last evaluated 2026-02-02.

Conditions:
Epileptic encephalopathy. Identifiers: MedGen C0543888, HP:0200134.

Allele frequency attached by ClinVar (database versions not stated): 1000 Genomes Project 30x 0.00375; 1000 Genomes Project 0.00419; TOPMed 0.00755; ESP Exome Variant Server 0.00762; gnomAD 0.00914.
gnomAD v4.1: 16,623 of 1,612,814 alleles (1%); highest among the groups gnomAD compares: Non-Finnish European, 1.2%; 88 homozygotes.

Submissions (3):

Labcorp Genetics (formerly Invitae), Labcorp
Classification: Benign for Epileptic encephalopathy. Last evaluated: 2026-02-02. Review status: criteria provided, single submitter. Criteria: Invitae Variant Classification Sherloc (09022015). Collection method: clinical testing. Allele origin: germline.

CeGaT Center for Human Genetics Tuebingen
Classification: Benign. Last evaluated: 2024-11-01. Review status: criteria provided, single submitter. Criteria: CeGaT Center For Human Genetics Tuebingen Variant Classification Criteria Version 2. Collection method: clinical testing. Allele origin: germline. Affected: yes. Observed: 3 variant alleles.
Comment: FASN: BP4, BS1, BS2

Breakthrough Genomics
Classification: Benign. Review status: criteria provided, single submitter. Criteria: ACMG Guidelines, 2015. Collection method: not provided. Allele origin: germline. Inheritance: Unknown mechanism. Affected: yes.

NM_004104.5(FASN):c.5336C>T (p.Pro1779Leu)

Gene: FASN (fatty acid synthase; minus strand). Cytogenetic location: 17q25.3.
Variant type: single nucleotide variant.
Coding change: c.5336C>T on transcript NM_004104.5 (MANE Select); coding-DNA position 5336, C replaced by T.
Protein change: p.Pro1779Leu; replaces proline 1779 with leucine.
Molecular consequence: missense variant.
Genome position (GRCh38, 1-based): chr17:82,083,522, G>A on the plus strand (C>T on the coding strand, the complement: FASN is on the minus strand). VCF-style: chr17-82083522-G-A. GRCh37 (hg19) VCF-style: chr17-80041398-G-A.
Other names: short protein forms P1779L.
Identifiers: ClinVar variation 462068 (VCV000462068.28), dbSNP rs2229426, ClinGen allele CA8851743.
Genomic context (GRCh38, chr17:82,083,522, plus strand): 5'-CAGGTCCACCCACACCCATCCATGCCCACCCCCGCCCAGGCGCTGCCGGCCTCACCGAGC[G>A]GGTGGTTCTGAGAAAGGTCGAATTTGCCAATTTCCAGGAAGCGACCGTGCGTAGCCAAGC-3'
Protein context (NP_004095.4, residues 1769-1789): IGKFDLSQNH[Pro1779Leu]LGMAIFLKNV